The following is an entry in ClinVar:

NM_006939.4(SOS2):c.2654A>G (p.Asp885Gly)

Gene: SOS2 (SOS Ras/Rho guanine nucleotide exchange factor 2; minus strand). Cytogenetic location: 14q21.3.
Variant type: single nucleotide variant.
Coding change: c.2654A>G on transcript NM_006939.4 (MANE Select); coding-DNA position 2654, A replaced by G.
Protein change: p.Asp885Gly; replaces aspartic acid 885 with glycine.
Molecular consequence: missense variant.
Genome position (GRCh38, 1-based): chr14:50,145,183, T>C on the plus strand (A>G on the coding strand, the complement: SOS2 is on the minus strand). VCF-style: chr14-50145183-T-C. GRCh37 (hg19) VCF-style: chr14-50611901-T-C.
Other names: c.2555A>G, p.Asp852Gly (NM_001411020.1); short protein forms D852G, D885G.
Identifiers: ClinVar variation 2769485 (VCV002769485.3), dbSNP rs1412106864, ClinGen allele CA389642908.

ClinVar aggregate classification (germline): Uncertain significance. Review status: criteria provided, multiple submitters, no conflicts (2 of 4 stars). 2 submissions from 2 submitters: Uncertain significance (2). Last evaluated 2025-05-27.

Conditions:
Cardiovascular phenotype. Identifiers: MedGen CN230736.
Noonan syndrome 9 (NS9). Identifiers: Orphanet 648, MedGen C4225282, MONDO:0014691, OMIM 616559.

Allele frequency attached by ClinVar (database versions not stated): TOPMed 0.00001; gnomAD exomes 0.00003; gnomAD 0.00001.
gnomAD v4.1: 37 of 1,596,034 alleles (0.0023%); highest among the groups gnomAD compares: Non-Finnish European, 0.0031%; no homozygotes.

Submissions (2):

Labcorp Genetics (formerly Invitae), Labcorp
Classification: Uncertain significance for Noonan syndrome 9. Last evaluated: 2025-05-27. Review status: criteria provided, single submitter. Criteria: Invitae Variant Classification Sherloc (09022015). Collection method: clinical testing. Allele origin: germline.
Comment: This sequence change replaces aspartic acid, which is acidic and polar, with glycine, which is neutral and non-polar, at codon 885 of the SOS2 protein (p.Asp885Gly). This variant is not present in population databases (gnomAD no frequency). This variant has not been reported in the literature in individuals affected with SOS2-related conditions. ClinVar contains an entry for this variant (Variation ID: 2769485). Invitae Evidence Modeling of protein sequence and biophysical properties (such as structural, functional, and spatial information, amino acid conservation, physicochemical variation, residue mobility, and thermodynamic stability) indicates that this missense variant is not expected to disrupt SOS2 protein function with a negative predictive value of 95%. In summary, the available evidence is currently insufficient to determine the role of this variant in disease. Therefore, it has been classified as a Variant of Uncertain Significance.

Ambry Genetics
Classification: Uncertain significance for Cardiovascular phenotype. Last evaluated: 2022-12-14. Review status: criteria provided, single submitter. Criteria: Ambry Variant Classification Scheme 2023. Collection method: clinical testing. Allele origin: germline.
Comment: The p.D885G variant (also known as c.2654A>G), located in coding exon 16 of the SOS2 gene, results from an A to G substitution at nucleotide position 2654. The aspartic acid at codon 885 is replaced by glycine, an amino acid with similar properties. This amino acid position is conserved. In addition, the in silico prediction for this alteration is inconclusive. Since supporting evidence is limited at this time, the clinical significance of this alteration remains unclear.